The following is an entry in ClinVar:

ClinVar aggregate classification (germline): Uncertain significance (1 of 4 stars; one submission).

Conditions:
SEMA3F-related disorder. Also called: SEMA3F-related condition.

gnomAD v4.1: 12 of 1,612,774 alleles (0.00074%); highest among the groups gnomAD compares: African/African-American, 0.015%; no homozygotes.

Submission:

PreventionGenetics, part of Exact Sciences
Classification: Uncertain significance for SEMA3F-related condition. Last evaluated: 2026-05-22. Review status: criteria provided, single submitter. Criteria: ACMG Guidelines, 2015. Collection method: clinical testing. Allele origin: germline.
Comment: The SEMA3F c.562T>C variant is predicted to result in the amino acid substitution p.Tyr188His. To our knowledge, this variant has not been reported in the literature. This variant is reported in 0.016% of alleles in individuals of African descent in gnomAD. At this time, the clinical significance of this variant is uncertain due to the absence of conclusive functional and genetic evidence.

NM_004186.5(SEMA3F):c.562T>C (p.Tyr188His)

Gene: SEMA3F (semaphorin 3F; plus strand). Cytogenetic location: 3p21.31.
Variant type: single nucleotide variant.
Coding change: c.562T>C on transcript NM_004186.5 (MANE Select); coding-DNA position 562, T replaced by C.
Protein change: p.Tyr188His; replaces tyrosine 188 with histidine.
Molecular consequence: missense variant.
Genome position (GRCh38, 1-based): chr3:50,176,780, T>C. VCF-style: chr3-50176780-T-C. GRCh37 (hg19) VCF-style: chr3-50214213-T-C.
Other names: c.265T>C, p.Tyr89His (NM_001318798.2); c.469T>C, p.Tyr157His (NM_001318800.2); short protein forms Y89H, Y157H, Y188H.
Identifiers: ClinVar variation 4979298 (VCV004979298.1).